The following is an entry in ClinVar:

NM_003982.4(SLC7A7):c.543C>G (p.Thr181=)

Gene: SLC7A7 (solute carrier family 7 member 7; minus strand). Cytogenetic location: 14q11.2.
Variant type: single nucleotide variant.
Coding change: c.543C>G on transcript NM_003982.4 (MANE Select); coding-DNA position 543, C replaced by G.
Protein change: p.Thr181=; no amino-acid change (threonine 181 retained).
Molecular consequence: synonymous variant.
Genome position (GRCh38, 1-based): chr14:22,780,008, G>C on the plus strand (C>G on the coding strand, the complement: SLC7A7 is on the minus strand). VCF-style: chr14-22780008-G-C. GRCh37 (hg19) VCF-style: chr14-23249217-G-C.
Other names: c.543C>G, p.Thr181= (NM_001126105.3, NM_001126106.4).
Identifiers: ClinVar variation 728884 (VCV000728884.19), dbSNP rs145777568, ClinGen allele CA7104672.

ClinVar aggregate classification (germline): Likely benign. Review status: criteria provided, multiple submitters, no conflicts (2 of 4 stars). 6 submissions from 6 submitters: Likely benign (4). 2 of the submissions do not count toward it. Last evaluated 2026-01-20.

Conditions:
SLC7A7-related disorder. Also called: SLC7A7-related condition.
Lysinuric protein intolerance (LPI). Identifiers: Orphanet 470, MedGen C0268647, MONDO:0009109, OMIM 222700.
Autoinflammatory syndrome. Identifiers: Orphanet 93665, MedGen C3890737, MONDO:0019751.

Allele frequency attached by ClinVar (database versions not stated): gnomAD exomes 0.00009; ExAC 0.00012; 1000 Genomes Project 30x 0.00031; gnomAD 0.00032 and 0.00035; ESP Exome Variant Server 0.00038; 1000 Genomes Project 0.00040; TOPMed 0.00051.
gnomAD v4.1: 110 of 1,613,920 alleles (0.0068%); highest among the groups gnomAD compares: African/African-American, 0.12%; no homozygotes.

Submissions (6):

Labcorp Genetics (formerly Invitae), Labcorp
Classification: Likely benign for Lysinuric protein intolerance. Last evaluated: 2026-01-20. Review status: criteria provided, single submitter. Criteria: Invitae Variant Classification Sherloc (09022015). Collection method: clinical testing. Allele origin: germline.

Blueprint Genetics
Classification: Likely benign. Last evaluated: 2022-07-18. Review status: criteria provided, single submitter. Criteria: ACMG Guidelines, 2015. Collection method: clinical testing. Allele origin: germline.

Fulgent Genetics
Classification: Likely benign for Lysinuric protein intolerance. Last evaluated: 2021-07-28. Review status: criteria provided, single submitter. Criteria: ACMG Guidelines, 2015. Collection method: clinical testing. Allele origin: unknown.

Genome Diagnostics Laboratory, The Hospital for Sick Children
Classification: Likely benign for Autoinflammatory syndrome. Last evaluated: 2021-06-22. Review status: criteria provided, single submitter. Criteria: ACMG Guidelines, 2015. Collection method: clinical testing. Allele origin: germline. Affected: yes.

Natera, Inc.
Classification: Likely benign for Lysinuric protein intolerance. Last evaluated: 2020-09-16. Review status: no assertion criteria provided. Collection method: clinical testing. Allele origin: germline. Not counted in ClinVar's aggregate classification.

PreventionGenetics, part of Exact Sciences
Classification: Likely benign for SLC7A7-related condition. Last evaluated: 2019-03-18. Review status: no assertion criteria provided. Collection method: clinical testing. Allele origin: germline. Not counted in ClinVar's aggregate classification.
Comment: This variant is classified as likely benign based on ACMG/AMP sequence variant interpretation guidelines (Richards et al. 2015 PMID: 25741868, with internal and published modifications).